The following is an entry in ClinVar:

NM_003579.4(RAD54L):c.1846T>C (p.Cys616Arg)

Gene: RAD54L (RAD54 like; plus strand). Cytogenetic location: 1p34.1.
Variant type: single nucleotide variant.
Coding change: c.1846T>C on transcript NM_003579.4 (MANE Select); coding-DNA position 1846, T replaced by C.
Protein change: p.Cys616Arg; replaces cysteine 616 with arginine.
Molecular consequence: missense variant.
Genome position (GRCh38, 1-based): chr1:46,274,694, T>C. VCF-style: chr1-46274694-T-C. GRCh37 (hg19) VCF-style: chr1-46740366-T-C.
Other names: c.1846T>C, p.Cys616Arg (NM_001142548.2); c.1306T>C, p.Cys436Arg (NM_001370766.1); short protein forms C436R, C616R.
Identifiers: ClinVar variation 2447787 (VCV002447787.2), dbSNP rs2525718988, ClinGen allele CA340186426.

ClinVar aggregate classification (germline): Uncertain significance (1 of 4 stars; one submission).

Submission:

Ambry Genetics
Classification: Uncertain significance. Last evaluated: 2022-11-14. Review status: criteria provided, single submitter. Criteria: Ambry Variant Classification Scheme 2023. Collection method: clinical testing. Allele origin: germline.
Comment: The p.C616R variant (also known as c.1846T>C), located in coding exon 16 of the RAD54L gene, results from a T to C substitution at nucleotide position 1846. The cysteine at codon 616 is replaced by arginine, an amino acid with highly dissimilar properties. This amino acid position is conserved. In addition, this alteration is predicted to be deleterious by in silico analysis. Since supporting evidence is limited at this time, the clinical significance of this alteration remains unclear.